The following is an entry in ClinVar:

NM_001048174.2(MUTYH):c.347C>A (p.Thr116Asn)

Gene: MUTYH (mutY DNA glycosylase; minus strand). Cytogenetic location: 1p34.1.
Variant type: single nucleotide variant.
Coding change: c.347C>A on transcript NM_001048174.2 (MANE Select); coding-DNA position 347, C replaced by A.
Protein change: p.Thr116Asn; replaces threonine 116 with asparagine.
Molecular consequence: missense variant. On other transcripts: non-coding transcript variant (6), intron variant (3).
Genome position (GRCh38, 1-based): chr1:45,333,128, G>T on the plus strand (C>A on the coding strand, the complement: MUTYH is on the minus strand). VCF-style: chr1-45333128-G-T. GRCh37 (hg19) VCF-style: chr1-45798800-G-T.
Other names: c.347C>A, p.Thr116Asn (NM_001048171.2, NM_001048173.2, NM_001293195.2 and 6 more transcripts); c.350C>A, p.Thr117Asn (NM_001048172.2, NM_001407086.1, NM_001407071.1 and 2 more transcripts); c.431C>A, p.Thr144Asn (NM_001128425.2); c.392C>A, p.Thr131Asn (NM_001293190.2); c.380C>A, p.Thr127Asn (NM_001293191.2, NM_001407077.1); c.71C>A, p.Thr24Asn (NM_001293192.2, NM_001293196.2, NM_001407091.1); c.422C>A, p.Thr141Asn (NM_001407069.1, NM_012222.3); c.389C>A, p.Thr130Asn (NM_001407085.1, NM_001407073.1, NM_001407083.1); and 3 more; short protein forms T117N, T130N, T131N, T144N, T123N, T24N, T127N, T141N.
Identifiers: ClinVar variation 4113656 (VCV004113656.1).

ClinVar aggregate classification (germline): Uncertain significance (1 of 4 stars; one submission).

Conditions:
Hereditary cancer-predisposing syndrome. Also called: Hereditary neoplastic syndrome; Neoplastic Syndromes, Hereditary; Tumor predisposition; Hereditary Cancer Syndrome. Identifiers: Orphanet 140162, MedGen C0027672, MeSH D009386, MONDO:0015356.

Submission:

Ambry Genetics
Classification: Uncertain significance for Hereditary cancer-predisposing syndrome. Last evaluated: 2025-08-27. Review status: criteria provided, single submitter. Criteria: Ambry Variant Classification Scheme 2023. Collection method: clinical testing. Allele origin: germline.
Comment: The p.T144N variant (also known as c.431C>A), located in coding exon 5 of the MUTYH gene, results from a C to A substitution at nucleotide position 431. The threonine at codon 144 is replaced by asparagine, an amino acid with similar properties. This amino acid position is conserved. In addition, the in silico prediction for this alteration is inconclusive. Based on the available evidence, the clinical significance of this variant remains unclear.